The following is an entry in ClinVar:

ClinVar aggregate classification (germline): Pathogenic. Review status: criteria provided, multiple submitters, no conflicts (2 of 4 stars). 5 submissions from 5 submitters: Pathogenic (5). Last evaluated 2025-09-16.

Conditions:
Hereditary cancer-predisposing syndrome. Also called: Hereditary neoplastic syndrome; Tumor predisposition; Neoplastic Syndromes, Hereditary; Hereditary Cancer Syndrome. Identifiers: Orphanet 140162, MedGen C0027672, MeSH D009386, MONDO:0015356.
Familial adenomatous polyposis 1 (FAP1). Also called: FAMILIAL ADENOMATOUS POLYPOSIS 1, ATTENUATED; POLYPOSIS, ADENOMATOUS INTESTINAL. Identifiers: MedGen C2713442, MONDO:0021056, OMIM 175100. Disease mechanism: loss of function.

Submissions (5):

Color Diagnostics, LLC DBA Color Health
Classification: Pathogenic for Hereditary cancer-predisposing syndrome. Last evaluated: 2025-09-16. Review status: criteria provided, single submitter. Criteria: ACMG Guidelines, 2015. Collection method: clinical testing. Allele origin: germline.
Comment: This variant deletes 2 nucleotides in exon 16 of the APC gene, creating a frameshift and premature translation stop signal. This variant is expected to result in an absent or non-functional protein product. This variant has been reported in individuals affected with familial adenomatous polyposis (PMID: 8111410, 20685668, 31269945). This variant has not been identified in the general population by the Genome Aggregation Database (gnomAD). Loss of APC function is a known mechanism of disease. Based on the available evidence, this variant is classified as Pathogenic.

Labcorp Genetics (formerly Invitae), Labcorp
Classification: Pathogenic for Familial adenomatous polyposis 1. Last evaluated: 2025-05-30. Review status: criteria provided, single submitter. Criteria: Invitae Variant Classification Sherloc (09022015). Collection method: clinical testing. Allele origin: germline.
Comment: This sequence change creates a premature translational stop signal (p.Val1099Phefs*19) in the APC gene. While this is not anticipated to result in nonsense mediated decay, it is expected to disrupt the last 1745 amino acid(s) of the APC protein. This variant is not present in population databases (gnomAD no frequency). This premature translational stop signal has been observed in individual(s) with familial adenomatous polyposis (PMID: 8111410, 20685668). ClinVar contains an entry for this variant (Variation ID: 419998). This variant is expected to disrupt the EB1 and HDLG binding sites, which mediate interactions with the cytoskeleton (PMID: 15311282, 17293347). While functional studies have not been performed to directly test the effect on APC protein function, this suggests that disruption of the C-terminal portion of the protein is functionally important. A different truncation (p.Tyr2645Lysfs*14) that lies downstream of this variant has been determined to be pathogenic (PMID: 9824584, 1316610, 27081525, 8381579, 22135120, internal data). This suggests that deletion of this region of the APC protein is causative of disease. For these reasons, this variant has been classified as Pathogenic.

Ambry Genetics
Classification: Pathogenic for Hereditary cancer-predisposing syndrome. Last evaluated: 2024-02-13. Review status: criteria provided, single submitter. Criteria: Ambry Variant Classification Scheme 2023. Collection method: clinical testing. Allele origin: germline.
Comment: The c.3295_3296delGT pathogenic mutation, located in coding exon 15 of the APC gene, results from a deletion of two nucleotides at nucleotide positions 3295 to 3296, causing a translational frameshift with a predicted alternate stop codon (p.V1099Ffs*19). This alteration occurs at the 3' terminus of theAPC gene, is not expected to trigger nonsense-mediated mRNA decay, and impacts the last 61% of the protein. However, premature stop codons are typically deleterious in nature and a significant portion of the protein is affected (Ambry internal data). This variant has been observed in at least one individual with a personal and/or family history that is consistent with APC-associated polyposis conditions (Ambry internal data). This variant is considered to be rare based on population cohorts in the Genome Aggregation Database (gnomAD). Based on the supporting evidence, this alteration is interpreted as a disease-causing mutation.

Myriad Genetics, Inc.
Classification: Pathogenic for Familial adenomatous polyposis 1. Last evaluated: 2023-05-08. Review status: criteria provided, single submitter. Criteria: Myriad Autosomal Dominant, Autosomal Recessive and X-Linked Classification Criteria (2023). Collection method: clinical testing. Allele origin: unknown.
Comment: This variant is considered pathogenic. This variant creates a frameshift predicted to result in premature protein truncation.

GeneDx
Classification: Pathogenic. Last evaluated: 2017-12-13. Review status: criteria provided, single submitter. Criteria: GeneDx Variant Classification (06012015). Collection method: clinical testing. Allele origin: germline. Affected: yes.
Comment: This deletion of 2 nucleotides in APC is denoted c.3295_3296delGT at the cDNA level and p.Val1099PhefsX19 (V1099FfsX19) at the protein level. The normal sequence, with the bases that are deleted in braces, is ATGT[GT]TTCT. The deletion causes a frameshift which changes a Valine to a Phenylalanine at codon 1099, and creates a premature stop codon at position 19 of the new reading frame. Even though this frameshift occurs in the last exon of the gene, and nonsense-mediated decay is not expected to occur, it is significant since the last 1745 amino acids are no longer translated. This variant is predicted to cause loss of normal protein function through protein truncation. APC c.3295_3296delGT, has been observed in several individuals with Familial Adenomatous Polyposis (Nagase 1993, Won 1999, Lagarde 2010). We consider this variant to be pathogenic.

Literature cited by the submitters: PubMed 8111410 (cited by Color Diagnostics, LLC DBA Color Health and Labcorp Genetics (formerly Invitae), Labcorp); PubMed 20685668 (cited by Color Diagnostics, LLC DBA Color Health and Labcorp Genetics (formerly Invitae), Labcorp); PubMed 31269945 (cited by Color Diagnostics, LLC DBA Color Health); PubMed 15311282 (cited by Labcorp Genetics (formerly Invitae), Labcorp); PubMed 17293347 (cited by Labcorp Genetics (formerly Invitae), Labcorp); PubMed 9824584 (cited by Labcorp Genetics (formerly Invitae), Labcorp); PubMed 1316610 (cited by Labcorp Genetics (formerly Invitae), Labcorp); PubMed 27081525 (cited by Labcorp Genetics (formerly Invitae), Labcorp); PubMed 8381579 (cited by Labcorp Genetics (formerly Invitae), Labcorp); PubMed 22135120 (cited by Labcorp Genetics (formerly Invitae), Labcorp).

NM_000038.6(APC):c.3295_3296del (p.Val1099fs)

Gene: APC (APC regulator of Wnt signaling pathway; plus strand). Cytogenetic location: 5q22.2.
Variant type: Microsatellite.
Coding change: c.3295_3296del on transcript NM_000038.6 (MANE Select); coding-DNA positions 3295 to 3296, 2 bases deleted (GT; older notation c.3295_3296delGT).
Protein change: p.Val1099fs; shifts the reading frame from valine 1099.
Molecular consequence: frameshift variant.
Genome position (GRCh38, 1-based): chr5:112,838,889-112,838,890, GT deleted; deleting any 2 consecutive bases within chr5:112,838,886-112,838,890 gives the same sequence; the c. name uses the placement nearest the transcript's 3' end. VCF-style (leftmost placement, unchanged base first): chr5-112838885-ATG-A. GRCh37 (hg19) VCF-style: chr5-112174582-ATG-A.
Other names: c.3295_3296del (NM_000038.5); c.3295_3296del, p.Val1099fs (NM_001127510.3, NM_001354895.2); c.3241_3242del, p.Val1081fs (NM_001127511.3); c.3349_3350del, p.Val1117fs (NM_001354896.2); c.3325_3326del, p.Val1109fs (NM_001354897.2); c.3220_3221del, p.Val1074fs (NM_001354898.2); c.3211_3212del, p.Val1071fs (NM_001354899.2); c.3172_3173del, p.Val1058fs (NM_001354900.2); and 6 more; short protein forms V1071fs, V1117fs, V816fs, V939fs, V1058fs, V1081fs, V998fs, V1040fs.
Identifiers: ClinVar variation 419998 (VCV000419998.15), dbSNP rs1064794228, ClinGen allele CA16618080.
Genomic context (GRCh38, chr5:112,838,885, plus strand): 5'-TTATACTGAGAGCACTGATGATAAACACCTCAAGTTCCAACCACATTTTGGACAGCAGGA[ATG>A]TGTTTCTCCATACAGGTCACGGGGAGCCAATGGTTCAGAAACAAATCGAGTGGGTTCTAA-3'